The following is an entry in ClinVar:

ClinVar aggregate classification (germline): Uncertain significance (1 of 4 stars; one submission).

Submission:

Mayo Clinic Laboratories, Mayo Clinic
Classification: Uncertain significance. Last evaluated: 2022-07-14. Review status: criteria provided, single submitter. Criteria: ACMG Guidelines, 2015. Collection method: clinical testing. Allele origin: germline. Observed: 1 variant allele.
Comment: PM2

NM_138477.4(CDAN1):c.446G>A (p.Gly149Glu)

Genes: CDAN1 (codanin 1; minus strand), LOC130056931 (ATAC-STARR-seq lymphoblastoid silent region 6376; plus strand). Cytogenetic location: 15q15.2.
Variant type: single nucleotide variant.
Coding change: c.446G>A on transcript NM_138477.4 (MANE Select); coding-DNA position 446, G replaced by A.
Protein change: p.Gly149Glu; replaces glycine 149 with glutamic acid.
Molecular consequence: missense variant.
Genome position (GRCh38, 1-based): chr15:42,736,425, C>T on the plus strand (G>A on the coding strand, the complement: CDAN1 is on the minus strand). VCF-style: chr15-42736425-C-T. GRCh37 (hg19) VCF-style: chr15-43028623-C-T.
Other names: p.Gly149Glu; short protein forms G149E.
Identifiers: ClinVar variation 2683293 (VCV002683293.1), dbSNP rs2061688923, ClinGen allele CA392058980.
Genomic context (GRCh38, chr15:42,736,425, plus strand): 5'-GGATCAGACAGCGTGAGGCTGGGGCGGCTGGGGCTGCCAGAGCCCCTAAGCCTCCGGCCC[C>T]CGGCTCCGGGCAGGCTCTCCCCGCTGACCCCCTCCTCCAGGCCGCGGCCTCCACGCTCGC-3'
Protein context (NP_612486.2, residues 139-159): GVSGESLPGA[Gly149Glu]GRRLRGSGSP